The following is an entry in ClinVar:

ClinVar aggregate classification (germline): Uncertain significance. Review status: criteria provided, multiple submitters, no conflicts (2 of 4 stars). 2 submissions from 2 submitters: Uncertain significance (2). Last evaluated 2025-01-06.

Allele frequency attached by ClinVar (database versions not stated): gnomAD exomes 0.00009; ExAC 0.00017; 1000 Genomes Project 0.00020; gnomAD 0.00042 and 0.00047; TOPMed 0.00048; ESP Exome Variant Server 0.00050; 1000 Genomes Project 30x 0.00062.

Submissions (2):

Labcorp Genetics (formerly Invitae), Labcorp
Classification: Uncertain significance. Last evaluated: 2025-01-06. Review status: criteria provided, single submitter. Criteria: Invitae Variant Classification Sherloc (09022015). Collection method: clinical testing. Allele origin: germline.
Comment: This sequence change replaces proline, which is neutral and non-polar, with serine, which is neutral and polar, at codon 315 of the SAMD11 protein (p.Pro315Ser). The frequency data for this variant in the population databases is considered unreliable, as metrics indicate poor data quality at this position in the gnomAD database. This variant has not been reported in the literature in individuals affected with SAMD11-related conditions. ClinVar contains an entry for this variant (Variation ID: 857913). An algorithm developed to predict the effect of missense changes on protein structure and function (PolyPhen-2) suggests that this variant¬†is likely to be tolerated. In summary, the available evidence is currently insufficient to determine the role of this variant in disease. Therefore, it has been classified as a Variant of Uncertain Significance.

Ambry Genetics
Classification: Uncertain significance. Last evaluated: 2024-06-07. Review status: criteria provided, single submitter. Criteria: Ambry Variant Classification Scheme 2023. Collection method: clinical testing. Allele origin: germline.

NM_001385641.1(SAMD11):c.1432C>T (p.Pro478Ser)

Gene: SAMD11 (sterile alpha motif domain containing 11; plus strand). Cytogenetic location: 1p36.33.
Variant type: single nucleotide variant.
Coding change: c.1432C>T on transcript NM_001385641.1 (MANE Select); coding-DNA position 1432, C replaced by T.
Protein change: p.Pro478Ser; replaces proline 478 with serine.
Molecular consequence: missense variant.
Genome position (GRCh38, 1-based): chr1:942,209, C>T. VCF-style: chr1-942209-C-T. GRCh37 (hg19) VCF-style: chr1-877589-C-T.
Other names: c.1435C>T, p.Pro479Ser (NM_001385640.1); c.943C>T, p.Pro315Ser (NM_152486.4); short protein forms P315S, P478S, P479S.
Identifiers: ClinVar variation 857913 (VCV000857913.7), dbSNP rs201770125, ClinGen allele CA502900.